The following is an entry in ClinVar:

NM_024675.4(PALB2):c.2365C>A (p.Leu789Met)

Gene: PALB2 (partner and localizer of BRCA2; minus strand). Cytogenetic location: 16p12.2.
Variant type: single nucleotide variant.
Coding change: c.2365C>A on transcript NM_024675.4 (MANE Select); coding-DNA position 2365, C replaced by A.
Protein change: p.Leu789Met; replaces leucine 789 with methionine.
Molecular consequence: missense variant.
Genome position (GRCh38, 1-based): chr16:23,629,789, G>T on the plus strand (C>A on the coding strand, the complement: PALB2 is on the minus strand). VCF-style: chr16-23629789-G-T. GRCh37 (hg19) VCF-style: chr16-23641110-G-T.
Other names: c.2305C>A, p.Leu769Met (NM_001407296.1); c.2365C>A, p.Leu789Met (NM_001407297.1, NM_001407298.1, NM_001407299.1 and 3 more transcripts); c.1480C>A, p.Leu494Met (NM_001407304.1, NM_001407305.1, NM_001407306.1 and 5 more transcripts); c.577C>A, p.Leu193Met (NM_001407312.1, NM_001407313.1); short protein forms L789M, L769M, L193M, L494M.
Identifiers: ClinVar variation 1790206 (VCV001790206.2), dbSNP rs145805054, ClinGen allele CA395124761.
Genomic context (GRCh38, chr16:23,629,789, plus strand): 5'-TTCCTGGCGGGACAGAGTCACAGTCACAGGTAGGTTGTCCTTGCCTGCCTGACACTTGCA[G>T]GGTGGTATGTGGTTTTGCTGGGCTGCCTGAACTGTCGAATTGTTTAGTATCACTGGCAAG-3'
Protein context (NP_078951.2, residues 779-799): SGSPAKPHTT[Leu789Met]QVSGRQGQPT

ClinVar aggregate classification (germline): Uncertain significance (1 of 4 stars; one submission).

Conditions:
Hereditary cancer-predisposing syndrome. Also called: Hereditary Cancer Syndrome; Hereditary neoplastic syndrome; Tumor predisposition; Neoplastic Syndromes, Hereditary. Identifiers: Orphanet 140162, MedGen C0027672, MeSH D009386, MONDO:0015356.

Submission:

Ambry Genetics
Classification: Uncertain significance for Hereditary cancer-predisposing syndrome. Last evaluated: 2019-10-16. Review status: criteria provided, single submitter. Criteria: Ambry Variant Classification Scheme 2023. Collection method: clinical testing. Allele origin: germline.
Comment: The p.L789M variant (also known as c.2365C>A), located in coding exon 5 of the PALB2 gene, results from a C to A substitution at nucleotide position 2365. The leucine at codon 789 is replaced by methionine, an amino acid with highly similar properties. This amino acid position is not well conserved in available vertebrate species. In addition, this alteration is predicted to be tolerated by in silico analysis. Since supporting evidence is limited at this time, the clinical significance of this alteration remains unclear.